The following is an entry in ClinVar:

ClinVar aggregate classification (germline): Pathogenic. Review status: criteria provided, multiple submitters, no conflicts (2 of 4 stars). 2 submissions from 2 submitters: Pathogenic (2). Last evaluated 2024-07-18.

Conditions:
DICER1-related tumor predisposition. Also called: DICER1 syndrome; DICER1-related pleuropulmonary blastoma cancer predisposition syndrome. Identifiers: Orphanet 284343, MedGen C3839822, MONDO:0100216.
Hereditary cancer-predisposing syndrome. Also called: Hereditary neoplastic syndrome; Hereditary Cancer Syndrome; Neoplastic Syndromes, Hereditary; Tumor predisposition. Identifiers: Orphanet 140162, MedGen C0027672, MeSH D009386, MONDO:0015356.

Submissions (2):

Ambry Genetics
Classification: Pathogenic for Hereditary cancer-predisposing syndrome. Last evaluated: 2024-07-18. Review status: criteria provided, single submitter. Criteria: Ambry Variant Classification Scheme 2023. Collection method: clinical testing. Allele origin: germline.
Comment: The p.Q108* pathogenic mutation (also known as c.322C>T), located in coding exon 3 of the DICER1 gene, results from a C to T substitution at nucleotide position 322. This changes the amino acid from a glutamine to a stop codon within coding exon 3. This variant is considered to be rare based on population cohorts in the Genome Aggregation Database (gnomAD). This alteration is expected to result in loss of function by premature protein truncation or nonsense-mediated mRNA decay. As such, this alteration is interpreted as a disease-causing mutation.

Labcorp Genetics (formerly Invitae), Labcorp
Classification: Pathogenic for DICER1-related tumor predisposition. Last evaluated: 2023-06-23. Review status: criteria provided, single submitter. Criteria: Invitae Variant Classification Sherloc (09022015). Collection method: clinical testing. Allele origin: germline.
Comment: This variant is not present in population databases (gnomAD no frequency). For these reasons, this variant has been classified as Pathogenic. Algorithms developed to predict the effect of sequence changes on RNA splicing suggest that this variant may disrupt the consensus splice site. This variant has not been reported in the literature in individuals affected with DICER1-related conditions. This sequence change creates a premature translational stop signal (p.Gln108*) in the DICER1 gene. It is expected to result in an absent or disrupted protein product. Loss-of-function variants in DICER1 are known to be pathogenic (PMID: 19556464, 21266384).

Literature cited by the submitters: PubMed 19556464 (cited by Labcorp Genetics (formerly Invitae), Labcorp); PubMed 21266384 (cited by Labcorp Genetics (formerly Invitae), Labcorp).

NM_177438.3(DICER1):c.322C>T (p.Gln108Ter)

Gene: DICER1 (dicer 1, ribonuclease III; minus strand). Cytogenetic location: 14q32.13.
Variant type: single nucleotide variant.
Coding change: c.322C>T on transcript NM_177438.3 (MANE Select); coding-DNA position 322, C replaced by T.
Protein change: p.Gln108Ter; replaces glutamine 108 with a stop codon.
Molecular consequence: nonsense. On other transcripts: 5 prime UTR variant (2), non-coding transcript variant (5), intron variant (6).
Genome position (GRCh38, 1-based): chr14:95,131,625, G>A on the plus strand (C>T on the coding strand, the complement: DICER1 is on the minus strand). VCF-style: chr14-95131625-G-A. GRCh37 (hg19) VCF-style: chr14-95597962-G-A.
Other names: c.322C>T, p.Gln108Ter (NM_001195573.1, NM_001271282.3, NM_001291628.2 and 15 more transcripts); c.40C>T, p.Gln14Ter (NM_001395686.1); c.-137C>T (NM_001395691.1); c.-1247C>T (NM_001395697.1); c.33+890C>T (NM_001395690.1, NM_001395687.1, NM_001395689.1 and 3 more transcripts); short protein forms Q108*, Q14*.
Identifiers: ClinVar variation 2734305 (VCV002734305.4), dbSNP rs2543343522, ClinGen allele CA390889440.